The following is an entry in ClinVar:

ClinVar aggregate classification (germline): Uncertain significance (1 of 4 stars; one submission).

Conditions:
Hereditary cancer-predisposing syndrome. Also called: Hereditary Cancer Syndrome; Hereditary neoplastic syndrome; Neoplastic Syndromes, Hereditary; Tumor predisposition. Identifiers: Orphanet 140162, MedGen C0027672, MeSH D009386, MONDO:0015356.

Submission:

Ambry Genetics
Classification: Uncertain significance for Hereditary cancer-predisposing syndrome. Last evaluated: 2022-07-19. Review status: criteria provided, single submitter. Criteria: Ambry Variant Classification Scheme 2023. Collection method: clinical testing. Allele origin: germline.
Comment: The p.K343N variant (also known as c.1029A>C), located in coding exon 7 of the RAD50 gene, results from an A to C substitution at nucleotide position 1029. The lysine at codon 343 is replaced by asparagine, an amino acid with similar properties. This amino acid position is conserved. In addition, this alteration is predicted to be tolerated by in silico analysis. Since supporting evidence is limited at this time, the clinical significance of this alteration remains unclear.

NM_005732.4(RAD50):c.1029A>C (p.Lys343Asn)

Gene: RAD50 (RAD50 double strand break repair protein; plus strand). Cytogenetic location: 5q31.1.
Variant type: single nucleotide variant.
Coding change: c.1029A>C on transcript NM_005732.4 (MANE Select); coding-DNA position 1029, A replaced by C.
Protein change: p.Lys343Asn; replaces lysine 343 with asparagine.
Molecular consequence: missense variant.
Genome position (GRCh38, 1-based): chr5:132,588,067, A>C. VCF-style: chr5-132588067-A-C. GRCh37 (hg19) VCF-style: chr5-131923759-A-C.
Other names: short protein forms K343N.
Identifiers: ClinVar variation 1770322 (VCV001770322.2), dbSNP rs2479632929, ClinGen allele CA360941593.